The following is an entry in ClinVar:

NM_001276345.2(TNNT2):c.-5A>G

Gene: TNNT2 (troponin T2, cardiac type; minus strand). Cytogenetic location: 1q32.1.
Variant type: single nucleotide variant.
Coding change: c.-5A>G on transcript NM_001276345.2 (MANE Select); 5 bases upstream of the start codon, A replaced by G.
Molecular consequence: 5 prime UTR variant.
Genome position (GRCh38, 1-based): chr1:201,373,259, T>C on the plus strand (A>G on the coding strand, the complement: TNNT2 is on the minus strand). VCF-style: chr1-201373259-T-C. GRCh37 (hg19) VCF-style: chr1-201342387-T-C.
Other names: c.-5A>G (NM_000364.4, NM_001001430.3, NM_001001431.3 and 3 more transcripts).
Identifiers: ClinVar variation 181606 (VCV000181606.6), dbSNP rs730881093, ClinGen allele CA004773.

ClinVar aggregate classification (germline): Conflicting classifications of pathogenicity. Review status: criteria provided, conflicting classifications (1 of 4 stars). 7 submissions from 5 submitters: Uncertain significance (1); Likely benign (6). Last evaluated 2025-02-07.

Conditions:
Cardiovascular phenotype. Identifiers: MedGen CN230736.
Cardiomyopathy (CMYO). Also called: Cardiomyopathies. Identifiers: Orphanet 167848, MedGen C0878544, MONDO:0004994, HP:0001638. Inheritance: Various modes of inheritance.
Cardiomyopathy, familial restrictive, 3. Identifiers: Orphanet 75249, MedGen C2676271, MONDO:0012900, OMIM 612422.
Dilated cardiomyopathy 1D. Identifiers: Orphanet 154, Orphanet 54260, MedGen C1832243, MONDO:0011095, OMIM 601494.
Hypertrophic cardiomyopathy 2. Also called: TNNT2-Related Familial Hypertrophic Cardiomyopathy. Identifiers: MedGen C1861864, MONDO:0007266, OMIM 115195.

Allele frequency attached by ClinVar (database versions not stated): gnomAD exomes below 0.00001 and 0.00003; ExAC 0.00001.
gnomAD v4.1: 37 of 1,614,118 alleles (0.0023%); highest among the groups gnomAD compares: Non-Finnish European, 0.0031%; no homozygotes.

Submissions (7):

Ambry Genetics
Classification: Uncertain significance for Cardiovascular phenotype. Last evaluated: 2025-02-07. Review status: criteria provided, single submitter. Criteria: Ambry Variant Classification Scheme 2023. Collection method: clinical testing. Allele origin: germline.
Comment: The c.-5A>G variant is located in the 5' untranslated region (5&rsquo;UTR) of the TNNT2 gene. This variant results from an A to G substitution 5 nucleotides upstream from the first translated codon. This nucleotide position is well conserved in available vertebrate species. Based on the available evidence, the clinical significance of this variant remains unclear.

All of Us Research Program, National Institutes of Health
Classification: Likely benign for Cardiomyopathy. Last evaluated: 2024-01-11. Review status: criteria provided, single submitter. Criteria: ACMG Guidelines, 2015. Collection method: clinical testing. Allele origin: germline. Inheritance: Autosomal dominant inheritance. Observed: 3 variant alleles, 3 heterozygotes.
Comment: This study involves interpretation of variants in research participants for the purpose of population health screening. Participant phenotype was not available at the time of variant classification. Additional details can be found in publication PMID: 35346344, PMCID: PMC8962531

Genome-Nilou Lab
Classification: Likely benign for Dilated cardiomyopathy 1D. Last evaluated: 2023-04-11. Review status: criteria provided, single submitter. Criteria: ACMG Guidelines, 2015. Collection method: clinical testing. Allele origin: germline. Affected: no.

Genome-Nilou Lab
Classification: Likely benign for Cardiomyopathy, familial restrictive, 3. Last evaluated: 2023-04-11. Review status: criteria provided, single submitter. Criteria: ACMG Guidelines, 2015. Collection method: clinical testing. Allele origin: germline. Affected: no.

Genome-Nilou Lab
Classification: Likely benign for Hypertrophic cardiomyopathy 2. Last evaluated: 2023-04-11. Review status: criteria provided, single submitter. Criteria: ACMG Guidelines, 2015. Collection method: clinical testing. Allele origin: germline. Affected: no.

Color Diagnostics, LLC DBA Color Health
Classification: Likely benign for Cardiomyopathy. Last evaluated: 2018-11-14. Review status: criteria provided, single submitter. Criteria: ACMG Guidelines, 2015. Collection method: clinical testing. Allele origin: germline.

GeneDx
Classification: Likely benign. Last evaluated: 2012-11-07. Review status: criteria provided, single submitter. Criteria: GeneDx Variant Classification (06012015). Collection method: clinical testing. Allele origin: germline. Affected: yes.
Comment: This variant is considered likely benign or benign based on one or more of the following criteria: it is a conservative change, it occurs at a poorly conserved position in the protein, it is predicted to be benign by multiple in silico algorithms, and/or has population frequency not consistent with disease.